The following is an entry in ClinVar:

ClinVar aggregate classification (germline): Likely benign (1 of 4 stars; one submission).

gnomAD v4.1: 1,994 of 151,564 alleles (1.3%); highest among the groups gnomAD compares: Non-Finnish European, 2%; 24 homozygotes.

Submission:

GeneDx
Classification: Likely benign. Last evaluated: 2021-05-20. Review status: criteria provided, single submitter. Criteria: GeneDx Variant Classification Process June 2021. Collection method: clinical testing. Allele origin: germline. Affected: yes.
Comment: See Variant Classification Assertion Criteria.

NM_000355.4(TCN2):c.941-164C>T

Gene: TCN2 (transcobalamin 2; plus strand). Cytogenetic location: 22q12.2.
Variant type: single nucleotide variant.
Coding change: c.941-164C>T on transcript NM_000355.4 (MANE Select); 164 bases into the intron before coding-DNA position 941, C replaced by T.
Molecular consequence: intron variant.
Genome position (GRCh38, 1-based): chr22:30,617,166, C>T. VCF-style: chr22-30617166-C-T. GRCh37 (hg19) VCF-style: chr22-31013153-C-T.
Other names: c.860-164C>T (NM_001184726.2).
Identifiers: ClinVar variation 4813960 (VCV004813960.1).